The following is an entry in ClinVar:

NM_002230.4(JUP):c.1710C>T (p.Leu570=)

Gene: JUP (junction plakoglobin; minus strand). Cytogenetic location: 17q21.2.
Variant type: single nucleotide variant.
Coding change: c.1710C>T on transcript NM_002230.4 (MANE Select); coding-DNA position 1710, C replaced by T.
Protein change: p.Leu570=; no amino-acid change (leucine 570 retained).
Molecular consequence: synonymous variant.
Genome position (GRCh38, 1-based): chr17:41,758,462, G>A on the plus strand (C>T on the coding strand, the complement: JUP is on the minus strand). VCF-style: chr17-41758462-G-A. GRCh37 (hg19) VCF-style: chr17-39914714-G-A.
Other names: c.1710C>T, p.Leu570= (NM_001352773.2, NM_001352774.2, NM_001352775.2 and 3 more transcripts).
Identifiers: ClinVar variation 377985 (VCV000377985.16), dbSNP rs375801194, ClinGen allele CA8565148.

ClinVar aggregate classification (germline): Benign/Likely benign. Review status: criteria provided, multiple submitters, no conflicts (2 of 4 stars). 4 submissions from 4 submitters: Benign (1); Likely benign (3). Last evaluated 2025-09-27.

Conditions:
Arrhythmogenic right ventricular dysplasia 12. Also called: ARRHYTHMOGENIC RIGHT VENTRICULAR DYSPLASIA, FAMILIAL, 12. Identifiers: MedGen C1969081, MONDO:0012684, OMIM 611528.
Naxos disease (NXD). Also called: KERATOSIS PALMOPLANTARIS WITH ARRHYTHMOGENIC CARDIOMYOPATHY; MAL DE NAXOS; PALMOPLANTAR KERATODERMA WITH ARRHYTHMOGENIC RIGHT VENTRICULAR CARDIOMYOPATHY AND WOOLLY HAIR; WOOLLY HAIR, PALMOPLANTAR KERATODERMA, AND CARDIAC ABNORMALITIES; CARDIOMYOPATHY, ARRHYTHMOGENIC RIGHT VENTRICULAR, WITH SKIN, HAIR, AND NAIL ABNORMALITIES. Identifiers: Orphanet 34217, MedGen C1832600, MONDO:0011017, OMIM 601214.
Cardiovascular phenotype. Identifiers: MedGen CN230736.

Allele frequency attached by ClinVar (database versions not stated): ExAC 0.00002; TOPMed 0.00004; gnomAD 0.00005; gnomAD exomes 0.00005 and 0.00007; ESP Exome Variant Server 0.00015.
gnomAD v4.1: 109 of 1,614,010 alleles (0.0068%); highest among the groups gnomAD compares: Non-Finnish European, 0.0077%; no homozygotes.

Submissions (4):

Labcorp Genetics (formerly Invitae), Labcorp
Classification: Likely benign for Arrhythmogenic right ventricular dysplasia 12; Naxos disease. Last evaluated: 2025-09-27. Review status: criteria provided, single submitter. Criteria: Invitae Variant Classification Sherloc (09022015). Collection method: clinical testing. Allele origin: germline.

Blueprint Genetics
Classification: Likely benign. Last evaluated: 2020-05-20. Review status: criteria provided, single submitter. Criteria: ACMG Guidelines, 2015. Collection method: clinical testing. Allele origin: germline.

Ambry Genetics
Classification: Likely benign for Cardiovascular phenotype. Last evaluated: 2017-05-25. Review status: criteria provided, single submitter. Criteria: Ambry Variant Classification Scheme 2023. Collection method: clinical testing. Allele origin: germline.

GeneDx
Classification: Benign. Last evaluated: 2015-09-22. Review status: criteria provided, single submitter. Criteria: GeneDx Variant Classification (06012015). Collection method: clinical testing. Allele origin: germline. Affected: yes.
Comment: This variant is considered likely benign or benign based on one or more of the following criteria: it is a conservative change, it occurs at a poorly conserved position in the protein, it is predicted to be benign by multiple in silico algorithms, and/or has population frequency not consistent with disease.